The following is an entry in ClinVar:

ClinVar aggregate classification (germline): Pathogenic (1 of 4 stars; one submission).

Submission:

Labcorp Genetics (formerly Invitae), Labcorp
Classification: Pathogenic. Last evaluated: 2022-01-10. Review status: criteria provided, single submitter. Criteria: Invitae Variant Classification Sherloc (09022015). Collection method: clinical testing. Allele origin: germline.
Comment: For these reasons, this variant has been classified as Pathogenic. This variant has not been reported in the literature in individuals affected with XPC-related conditions. This variant is not present in population databases (gnomAD no frequency). This sequence change creates a premature translational stop signal (p.Lys642Tyrfs*10) in the XPC gene. It is expected to result in an absent or disrupted protein product. Loss-of-function variants in XPC are known to be pathogenic (PMID: 23173980, 25256075).

Literature cited by the submitters: PubMed 23173980; PubMed 25256075.

NM_004628.5(XPC):c.1919_1923dup (p.Lys642fs)

Gene: XPC (XPC complex subunit, DNA damage recognition and repair factor; minus strand). Cytogenetic location: 3p25.1.
Variant type: Duplication.
Coding change: c.1919_1923dup on transcript NM_004628.5 (MANE Select); coding-DNA positions 1919 to 1923, 5 bases duplicated (TATAT; older notation c.1919_1923dupTATAT).
Protein change: p.Lys642fs; shifts the reading frame from lysine 642.
Molecular consequence: frameshift variant. On other transcripts: intron variant (1).
Genome position (GRCh38, 1-based): chr3:14,156,445-14,156,449, ATATA duplicated on the plus strand (TATAT on the coding strand, the reverse complement: XPC is on the minus strand); duplicating any 5 consecutive bases within chr3:14,156,445-14,156,450 gives the same sequence; the c. name uses the placement nearest the transcript's 3' end. VCF-style (leftmost placement, unchanged base first): chr3-14156444-T-TATATA. GRCh37 (hg19) VCF-style: chr3-14197944-T-TATATA.
Other names: c.1340_1344dup, p.Lys449fs (NM_001354726.2); c.1901_1905dup, p.Lys636fs (NM_001354729.2); c.1673_1677dup, p.Lys560fs (NM_001354730.2); c.1872+1562_1872+1566dup (NM_001354727.2); short protein forms K560fs, K636fs, K449fs, K642fs.
Identifiers: ClinVar variation 2078189 (VCV002078189.4), dbSNP rs2470251809, ClinGen allele CA2580068498.